The following is an entry in ClinVar:

ClinVar aggregate classification (germline): Uncertain significance. Review status: criteria provided, multiple submitters, no conflicts (2 of 4 stars). 5 submissions from 5 submitters: Uncertain significance (4). 1 of the submissions does not count toward it. Last evaluated 2024-09-11.

Conditions:
Ornithine carbamoyltransferase deficiency (OTCD). Also called: ORNITHINE TRANSCARBAMYLASE DEFICIENCY, HYPERAMMONEMIA DUE TO; ORNITHINE TRANSCARBAMYLASE DEFICIENCY; Ornithine Carbamoyltransferase Deficiency Disease; OTC DEFICIENCY. Identifiers: Orphanet 664, MedGen C0268542, MONDO:0010703, OMIM 311250.
Inborn genetic diseases. Identifiers: MedGen C0950123, MeSH D030342.

Allele frequency attached by ClinVar (database versions not stated): gnomAD 0.00002; gnomAD exomes 0.00002 and 0.00004; ExAC 0.00003; TOPMed 0.00003; ESP Exome Variant Server 0.00009.

Submissions (5):

Women's Health and Genetics/Laboratory Corporation of America, LabCorp
Classification: Uncertain significance. Last evaluated: 2024-09-11. Review status: criteria provided, single submitter. Criteria: LabCorp Variant Classification Summary - May 2015. Collection method: clinical testing. Allele origin: germline.
Comment: Variant summary: OTC c.272C>T (p.Thr91Ile) results in a non-conservative amino acid change in the encoded protein sequence. Four of five in-silico tools predict a damaging effect of the variant on protein function. The variant allele was found at a frequency of 2.2e-05 in 183107 control chromosomes, predominantly at a frequency of 4.9e-05 within the Non-Finnish European subpopulation in the gnomAD database. The available data on variant occurrences in the general population are insufficient to allow any conclusion about variant significance. To our knowledge, no occurrence of c.272C>T in individuals affected with Ornithine Transcarbamylase Deficiency and no experimental evidence demonstrating its impact on protein function have been reported. ClinVar contains an entry for this variant (Variation ID: 589038). Based on the evidence outlined above, the variant was classified as uncertain significance.

All of Us Research Program, National Institutes of Health
Classification: Uncertain significance for Ornithine carbamoyltransferase deficiency. Last evaluated: 2024-08-06. Review status: criteria provided, single submitter. Criteria: ACMG Guidelines, 2015. Collection method: clinical testing. Allele origin: germline. Inheritance: X-linked inheritance. Observed: 17 variant alleles, 12 heterozygotes, 4 homozygotes, 1 hemizygote.
Comment: This missense variant replaces threonine with isoleucine at codon 91 of the OTC protein. Computational prediction suggests that this variant may have deleterious impact on protein structure and function (internally defined REVEL score threshold >= 0.7, PMID: 27666373). To our knowledge, functional studies have not been reported for this variant. This variant has not been reported in individuals affected with OTC-related disorders in the literature. This variant has been identified in 5/204899 chromosomes in the general population by the Genome Aggregation Database (gnomAD). The available evidence is insufficient to determine the role of this variant in disease conclusively. Therefore, this variant is classified as a Variant of Uncertain Significance.

This study involves interpretation of variants in research participants for the purpose of population health screening. Participant phenotype was not available at the time of variant classification. Additional details can be found in publication PMID: 35346344, PMCID: PMC8962531

Color Diagnostics, LLC DBA Color Health
Classification: Uncertain significance for Ornithine carbamoyltransferase deficiency. Last evaluated: 2024-01-29. Review status: criteria provided, single submitter. Criteria: ACMG Guidelines, 2015. Collection method: clinical testing. Allele origin: germline.
Comment: This missense variant replaces threonine with isoleucine at codon 91 of the OTC protein. Computational prediction suggests that this variant may have deleterious impact on protein structure and function. To our knowledge, functional studies have not been reported for this variant. This variant has not been reported in individuals affected with OTC-related disorders in the literature. This variant has been identified in 5/204899 chromosomes in the general population by the Genome Aggregation Database (gnomAD). The available evidence is insufficient to determine the role of this variant in disease conclusively. Therefore, this variant is classified as a Variant of Uncertain Significance.

Ambry Genetics
Classification: Uncertain significance for Inborn genetic diseases. Last evaluated: 2023-09-12. Review status: criteria provided, single submitter. Criteria: Ambry Variant Classification Scheme 2023. Collection method: clinical testing. Allele origin: germline.

Natera, Inc.
Classification: Uncertain significance for Ornithine transcarbamylase deficiency. Last evaluated: 2020-12-03. Review status: no assertion criteria provided. Collection method: clinical testing. Allele origin: germline. Not counted in ClinVar's aggregate classification.

NM_000531.6(OTC):c.272C>T (p.Thr91Ile)

Gene: OTC (ornithine transcarbamylase; plus strand). Cytogenetic location: Xp11.4.
Variant type: single nucleotide variant.
Coding change: c.272C>T on transcript NM_000531.6 (MANE Select); coding-DNA position 272, C replaced by T.
Protein change: p.Thr91Ile; replaces threonine 91 with isoleucine.
Molecular consequence: missense variant.
Genome position (GRCh38, 1-based): chrX:38,369,851, C>T. VCF-style: chrX-38369851-C-T. GRCh37 (hg19) VCF-style: chrX-38229104-C-T.
Other names: short protein forms T91I.
Identifiers: ClinVar variation 589038 (VCV000589038.10), dbSNP rs372906667, ClinGen allele CA10385816.